The following is an entry in ClinVar:

ClinVar aggregate classification (germline): Uncertain significance. Review status: criteria provided, multiple submitters, no conflicts (2 of 4 stars). 3 submissions from 3 submitters: Uncertain significance (3). Last evaluated 2023-08-15.

Conditions:
Aortic aneurysm, familial thoracic 4 (AAT4). Also called: AORTIC ANEURYSM/AORTIC DISSECTION AND PATENT DUCTUS ARTERIOSUS. Identifiers: MedGen C1851504, MONDO:0007568, OMIM 132900.
Familial thoracic aortic aneurysm and aortic dissection (TAAD). Also called: Thoracic aortic aneurysms and dissections. Identifiers: Orphanet 91387, MedGen C4707243, MONDO:0019625.

Allele frequency attached by ClinVar (database versions not stated): gnomAD 0.00001; TOPMed 0.00001.
gnomAD v4.1: 2 of 1,614,130 alleles (0.00012%); highest among the groups gnomAD compares: African/African-American, 0.0027%; no homozygotes.

Submissions (3):

All of Us Research Program, National Institutes of Health
Classification: Uncertain significance for Familial thoracic aortic aneurysm and aortic dissection. Last evaluated: 2023-08-15. Review status: criteria provided, single submitter. Criteria: ACMG Guidelines, 2015. Collection method: clinical testing. Allele origin: germline. Inheritance: Autosomal dominant inheritance. Observed: 1 variant allele, 1 heterozygote.
Comment: This variant causes a G to A nucleotide substitution at the +6 position of intron 28 of the MYH11 gene. To our knowledge, functional studies have not been reported for this variant. This variant has not been reported in individuals affected with MYH11-related disorders in the literature. This variant has not been identified in the general population by the Genome Aggregation Database (gnomAD). The available evidence is insufficient to determine the role of this variant in disease conclusively. Therefore, this variant is classified as a Variant of Uncertain Significance.

This study involves interpretation of variants in research participants for the purpose of population health screening. Participant phenotype was not available at the time of variant classification. Additional details can be found in publication PMID: 35346344, PMCID: PMC8962531

Color Diagnostics, LLC DBA Color Health
Classification: Uncertain significance for Familial thoracic aortic aneurysm and aortic dissection. Last evaluated: 2023-08-02. Review status: criteria provided, single submitter. Criteria: ACMG Guidelines, 2015. Collection method: clinical testing. Allele origin: germline.
Comment: This variant causes a G to A nucleotide substitution at the +6 position of intron 28 of the MYH11 gene. To our knowledge, functional studies have not been reported for this variant. This variant has not been reported in individuals affected with MYH11-related disorders in the literature. This variant has not been identified in the general population by the Genome Aggregation Database (gnomAD). The available evidence is insufficient to determine the role of this variant in disease conclusively. Therefore, this variant is classified as a Variant of Uncertain Significance.

Labcorp Genetics (formerly Invitae), Labcorp
Classification: Uncertain significance for Aortic aneurysm, familial thoracic 4. Last evaluated: 2018-12-15. Review status: criteria provided, single submitter. Criteria: Invitae Variant Classification Sherloc (09022015). Collection method: clinical testing. Allele origin: germline.
Comment: In summary, the available evidence is currently insufficient to determine the role of this variant in disease. Therefore, it has been classified as a Variant of Uncertain Significance. Nucleotide substitutions within the consensus splice site are a relatively common cause of aberrant splicing (PMID: 17576681, 9536098). Algorithms developed to predict the effect of sequence changes on RNA splicing suggest that this variant is not likely to affect RNA splicing, but this prediction has not been confirmed by published transcriptional studies. This variant has not been reported in the literature in individuals with MYH11-related conditions. This variant is not present in population databases (ExAC no frequency). This sequence change falls in intron 28 of the MYH11 gene. It does not directly change the encoded amino acid sequence of the MYH11 protein, but it affects a nucleotide within the consensus splice site of the intron.

Literature cited by the submitters: PubMed 17576681 (cited by Labcorp Genetics (formerly Invitae), Labcorp); PubMed 9536098 (cited by Labcorp Genetics (formerly Invitae), Labcorp).

NM_002474.3(MYH11):c.3651+6G>A

Gene: MYH11 (myosin heavy chain 11; minus strand). Cytogenetic location: 16p13.11.
Variant type: single nucleotide variant.
Coding change: c.3651+6G>A on transcript NM_002474.3 (MANE Select); 6 bases into the intron after coding-DNA position 3651, G replaced by A.
Molecular consequence: intron variant.
Genome position (GRCh38, 1-based): chr16:15,732,558, C>T on the plus strand (G>A on the coding strand, the complement: MYH11 is on the minus strand). VCF-style: chr16-15732558-C-T. GRCh37 (hg19) VCF-style: chr16-15826415-C-T.
Other names: c.3651+6G>A (NM_022844.3); c.3672+6G>A (NM_001040114.2, NM_001040113.2).
Identifiers: ClinVar variation 639268 (VCV000639268.9), dbSNP rs1018482209, ClinGen allele CA278618528.